The following is an entry in ClinVar:

ClinVar aggregate classification (germline): Uncertain significance (1 of 4 stars; one submission).

Conditions:
Multiple endocrine neoplasia, type 1 (MEN1). Also called: MEN I; WERMER SYNDROME; Endocrine adenomatosis multiple; MEN 1; MEA I. Identifiers: Orphanet 652, MedGen C0025267, MeSH D018761, MONDO:0007540, OMIM 131100.

Submission:

Labcorp Genetics (formerly Invitae), Labcorp
Classification: Uncertain significance for Multiple endocrine neoplasia, type 1. Last evaluated: 2019-10-01. Review status: criteria provided, single submitter. Criteria: Invitae Variant Classification Sherloc (09022015). Collection method: clinical testing. Allele origin: germline.
Comment: This sequence change replaces lysine with arginine at codon 497 of the MEN1 protein (p.Lys497Arg). The lysine residue is moderately conserved and there is a small physicochemical difference between lysine and arginine. This variant is not present in population databases (ExAC no frequency). This variant has not been reported in the literature in individuals with MEN1-related conditions. Algorithms developed to predict the effect of missense changes on protein structure and function are either unavailable or do not agree on the potential impact of this missense change (SIFT: "Tolerated"; PolyPhen-2: "Probably Damaging"; Align-GVGD: "Class C0"). In summary, the available evidence is currently insufficient to determine the role of this variant in disease. Therefore, it has been classified as a Variant of Uncertain Significance.

NM_001370259.2(MEN1):c.1490A>G (p.Lys497Arg)

Gene: MEN1 (menin 1; minus strand). Cytogenetic location: 11q13.1.
Variant type: single nucleotide variant.
Coding change: c.1490A>G on transcript NM_001370259.2 (MANE Select); coding-DNA position 1490, A replaced by G.
Protein change: p.Lys497Arg; replaces lysine 497 with arginine.
Molecular consequence: missense variant.
Genome position (GRCh38, 1-based): chr11:64,804,677, T>C on the plus strand (A>G on the coding strand, the complement: MEN1 is on the minus strand). VCF-style: chr11-64804677-T-C. GRCh37 (hg19) VCF-style: chr11-64572149-T-C.
Other names: c.1505A>G, p.Lys502Arg (NM_000244.4, NM_130800.3, NM_130801.3 and 3 more transcripts); c.1616A>G, p.Lys539Arg (NM_001370251.2); c.1490A>G, p.Lys497Arg (NM_001370260.2, NM_001370261.2, NM_130799.3); c.1385A>G, p.Lys462Arg (NM_001370262.2, NM_001370263.2); short protein forms K539R, K502R, K462R, K497R.
Identifiers: ClinVar variation 963288 (VCV000963288.9), dbSNP rs1941540571, ClinGen allele CA381178930.